The following is an entry in ClinVar:

NC_000002.12:g.(?_32114638)_(32157637_?)del

Gene: SPAST (spastin; plus strand). Cytogenetic location: 2p22.3.
Variant type: Deletion.
Identifiers: ClinVar variation 417455 (VCV000417455.1).

ClinVar aggregate classification (germline): Pathogenic (1 of 4 stars; one submission).

Conditions:
Hereditary spastic paraplegia 4. Also called: Spastic Paraplegia 4; Spastic paraplegia 4, autosomal dominant; Familial spastic paraplegia autosomal dominant 2. Identifiers: Orphanet 100985, MedGen C1866855, MONDO:0008438, OMIM 182601.

Submission:

Labcorp Genetics (formerly Invitae), Labcorp
Classification: Pathogenic for Hereditary spastic paraplegia 4. Last evaluated: 2016-05-04. Review status: criteria provided, single submitter. Criteria: Invitae Variant Classification Sherloc (09022015). Collection method: clinical testing. Allele origin: germline.
Comment: This variant is a gross deletion of the genomic region encompassing exons 5-17 of the SPAST gene. The 5' boundary is likely confined to intron 4. The 3' end of this event is unknown as it extends through the termination codon beyond the assayed region for this gene and may encompass additional genes. While this deletion is not anticipated to result in nonsense mediated decay, it is expected to create a truncated SPAST protein. Truncating variants in SPAST are known to be pathogenic. This particular truncation has been reported in a patient affected with hereditary spastic paraplegia (PMID: 26208798). For these reasons, this variant has been classified as Pathogenic.